The following is an entry in ClinVar:

NM_003097.6(SNRPN):c.-89T>C

Genes: SNHG14 (small nucleolar RNA host gene 14; plus strand), SNRPN (small nuclear ribonucleoprotein polypeptide N; plus strand), SNURF (SNRPN upstream open reading frame; plus strand). Cytogenetic location: 15q11.2.
Variant type: single nucleotide variant.
Coding change: c.-89T>C on transcript NM_003097.6 (MANE Select); 89 bases upstream of the start codon, T replaced by C.
Molecular consequence: 5 prime UTR variant. On other transcripts: 3 prime UTR variant (1), intron variant (7), non-coding transcript variant (1).
Genome position (GRCh38, 1-based): chr15:24,974,365, T>C. VCF-style: chr15-24974365-T-C. GRCh37 (hg19) VCF-style: chr15-25219512-T-C.
Other names: c.-89T>C (NM_001400726.1, NM_001400728.1, NM_001400729.1 and 98 more transcripts); c.*100T>C (NM_005678.5); c.-301-277T>C (NM_001378251.1, NM_001378253.1); c.-67-22T>C (NM_001400747.1, NM_001400727.1); c.-21-993T>C (NM_001378256.1, NM_001400767.1, NM_001378257.1); c.-393T>C (NM_001378252.1, NM_001378254.1, NM_001378255.1).
Identifiers: ClinVar variation 315447 (VCV000315447.10), dbSNP rs705, ClinGen allele CA10641505.

ClinVar aggregate classification (germline): Benign/Likely benign. Review status: criteria provided, multiple submitters, no conflicts (2 of 4 stars). 3 submissions from 3 submitters: Benign (1); Likely benign (1). 1 of the submissions does not count toward it. Last evaluated 2021-06-19.

Conditions:
Thalidomide response. Identifiers: MedGen CN297989.

Allele frequency attached by ClinVar (database versions not stated): gnomAD exomes 0.43557; 1000 Genomes Project 0.52177; 1000 Genomes Project 30x 0.52920; TOPMed 0.55050; ESP Exome Variant Server 0.50964; gnomAD 0.52684 and 0.53733.
gnomAD v4.1: 546,713 of 1,221,690 alleles (45%); highest among the groups gnomAD compares: African/African-American, 75%; 128,195 homozygotes.

Submissions (3):

GeneDx
Classification: Benign. Last evaluated: 2021-06-19. Review status: criteria provided, single submitter. Criteria: GeneDx Variant Classification Process June 2021. Collection method: clinical testing. Allele origin: germline. Affected: yes.

Breakthrough Genomics
Classification: Likely benign. Review status: criteria provided, single submitter. Criteria: ACMG Guidelines, 2015. Collection method: not provided. Allele origin: germline. Inheritance: Unknown mechanism. Affected: yes.

Rare Diseases Genetics and Genomics, Islamia College Peshawar
Classification: drug response for Thalidomide response. Review status: no assertion criteria provided. Collection method: research. Allele origin: germline. Affected: yes. Not counted in ClinVar's aggregate classification.
Comment: this variant was associated with excellent response to thalidomide (achieving transfusion independence)